The following is an entry in ClinVar:

NM_001283009.2(RTEL1):c.5C>A (p.Pro2His)

Genes: RTEL1-TNFRSF6B (RTEL1-TNFRSF6B readthrough (NMD candidate); plus strand), RTEL1 (regulator of telomere elongation helicase 1; plus strand). Cytogenetic location: 20q13.33.
Variant type: single nucleotide variant.
Coding change: c.5C>A on transcript NM_001283009.2 (MANE Select); coding-DNA position 5, C replaced by A.
Protein change: p.Pro2His; replaces proline 2 with histidine.
Molecular consequence: missense variant. On other transcripts: non-coding transcript variant (1), intron variant (1).
Genome position (GRCh38, 1-based): chr20:63,659,407, C>A. VCF-style: chr20-63659407-C-A. GRCh37 (hg19) VCF-style: chr20-62290760-C-A.
Other names: c.5C>A, p.Pro2His (NM_016434.4, NM_032957.5); c.-568+948C>A (NM_001283010.1); short protein forms P2H.
Identifiers: ClinVar variation 3027305 (VCV003027305.23), dbSNP rs757516930, ClinGen allele CA9964073.
Genomic context (GRCh38, chr20:63,659,407, plus strand): 5'-GACCCGAATAGCCTGCCCCTCAGCCACGCTCTGTGCCCTTCTGAGAACAGGCTGATATGC[C>A]CAAGATAGTCCTGAATGGTGTGACCGTAGACTTCCCTTTCCAGCCCTACAAATGCCAACA-3'
Protein context (NP_001269938.1, residues 1-12): M[Pro2His]KIVLNGVTVD

ClinVar aggregate classification (germline): Uncertain significance. Review status: criteria provided, multiple submitters, no conflicts (2 of 4 stars). 2 submissions from 2 submitters: Uncertain significance (2). Last evaluated 2026-04-26.

Conditions:
Inborn genetic diseases. Identifiers: MedGen C0950123, MeSH D030342.

Allele frequency attached by ClinVar (database versions not stated): ExAC 0.00001.

Submissions (2):

Ambry Genetics
Classification: Uncertain significance for Inborn genetic diseases. Last evaluated: 2026-04-26. Review status: criteria provided, single submitter. Criteria: Ambry Variant Classification Scheme 2023. Collection method: clinical testing. Allele origin: germline.
Comment: The p.P2H variant (also known as c.5C>A), located in coding exon 1 of the RTEL1 gene, results from a C to A substitution at nucleotide position 5. The proline at codon 2 is replaced by histidine, an amino acid with similar properties. This amino acid position is conserved. In addition, the in silico prediction for this alteration is inconclusive. Based on the available evidence, the clinical significance of this variant remains unclear.

CeGaT Center for Human Genetics Tuebingen
Classification: Uncertain significance. Last evaluated: 2024-02-01. Review status: criteria provided, single submitter. Criteria: CeGaT Center For Human Genetics Tuebingen Variant Classification Criteria Version 2. Collection method: clinical testing. Allele origin: germline. Affected: yes. Observed: 1 variant allele.
Comment: RTEL1: PM2